The following is an entry in ClinVar:

ClinVar aggregate classification (germline): Benign (1 of 4 stars; one submission).

Conditions:
Lynch syndrome 4 (LYNCH4). Also called: Colorectal cancer, hereditary nonpolyposis, type 4; Hereditary non-polyposis colorectal cancer, type 4. Identifiers: Orphanet 144, MedGen C1838333, MONDO:0013699, OMIM 614337. Disease mechanism: loss of function.

Submission:

Myriad Genetics, Inc.
Classification: Benign for Lynch syndrome 4. Last evaluated: 2025-01-29. Review status: criteria provided, single submitter. Criteria: Myriad Autosomal Dominant, Autosomal Recessive and X-Linked Classification Criteria (2023). Collection method: clinical testing. Allele origin: unknown.
Comment: This variant is considered benign. This variant is a silent/synonymous amino acid change and it is not expected to impact splicing.

NM_000535.7(PMS2):c.1071C>A (p.Thr357=)

Gene: PMS2 (PMS1 homolog 2, mismatch repair system component; minus strand). Cytogenetic location: 7p22.1.
Variant type: single nucleotide variant.
Coding change: c.1071C>A on transcript NM_000535.7 (MANE Select); coding-DNA position 1071, C replaced by A.
Protein change: p.Thr357=; no amino-acid change (threonine 357 retained).
Molecular consequence: synonymous variant. On other transcripts: non-coding transcript variant (1), intron variant (10).
Genome position (GRCh38, 1-based): chr7:5,989,873, G>T on the plus strand (C>A on the coding strand, the complement: PMS2 is on the minus strand). VCF-style: chr7-5989873-G-T. GRCh37 (hg19) VCF-style: chr7-6029504-G-T.
Other names: c.666C>A, p.Thr222= (NM_001406895.1, NM_001406896.1, NM_001406897.1 and 16 more transcripts); c.753C>A, p.Thr251= (NM_001406903.1, NM_001322007.2, NM_001322008.2 and 2 more transcripts); c.558C>A, p.Thr186= (NM_001406904.1, NM_001406905.1); c.498C>A, p.Thr166= (NM_001406909.1, NM_001322013.2); c.300C>A, p.Thr100= (NM_001406911.1); c.583+2100C>A (NM_001322010.2, NM_001406906.1, NM_001406907.1); c.670+2100C>A (NM_001406902.1, NM_001406901.1); c.679+2100C>A (NM_001406900.1); and 13 more.
Identifiers: ClinVar variation 3904211 (VCV003904211.1).